The following is an entry in ClinVar:

NM_001002295.2(GATA3):c.89G>A (p.Gly30Asp)

Gene: GATA3 (GATA binding protein 3; plus strand). Cytogenetic location: 10p14.
Variant type: single nucleotide variant.
Coding change: c.89G>A on transcript NM_001002295.2 (MANE Select); coding-DNA position 89, G replaced by A.
Protein change: p.Gly30Asp; replaces glycine 30 with aspartic acid.
Molecular consequence: missense variant.
Genome position (GRCh38, 1-based): chr10:8,055,744, G>A. VCF-style: chr10-8055744-G-A. GRCh37 (hg19) VCF-style: chr10-8097707-G-A.
Other names: c.89G>A, p.Gly30Asp (NM_002051.3); short protein forms G30D.
Identifiers: ClinVar variation 663254 (VCV000663254.8), dbSNP rs1588374874, ClinGen allele CA375965176.

ClinVar aggregate classification (germline): Uncertain significance. Review status: criteria provided, multiple submitters, no conflicts (2 of 4 stars). 2 submissions from 2 submitters: Uncertain significance (2). Last evaluated 2024-01-18.

Submissions (2):

Labcorp Genetics (formerly Invitae), Labcorp
Classification: Uncertain significance. Last evaluated: 2024-01-18. Review status: criteria provided, single submitter. Criteria: Invitae Variant Classification Sherloc (09022015). Collection method: clinical testing. Allele origin: germline.
Comment: This sequence change replaces glycine, which is neutral and non-polar, with aspartic acid, which is acidic and polar, at codon 30 of the GATA3 protein (p.Gly30Asp). This variant is not present in population databases (gnomAD no frequency). This variant has not been reported in the literature in individuals affected with GATA3-related conditions. ClinVar contains an entry for this variant (Variation ID: 663254). An algorithm developed to predict the effect of missense changes on protein structure and function (PolyPhen-2) suggests that this variant is likely to be tolerated. In summary, the available evidence is currently insufficient to determine the role of this variant in disease. Therefore, it has been classified as a Variant of Uncertain Significance.

Women's Health and Genetics/Laboratory Corporation of America, LabCorp
Classification: Uncertain significance. Last evaluated: 2022-06-06. Review status: criteria provided, single submitter. Criteria: LabCorp Variant Classification Summary - May 2015. Collection method: clinical testing. Allele origin: germline.
Comment: Variant summary: GATA3 c.89G>A (p.Gly30Asp) results in a non-conservative amino acid change in the encoded protein sequence. Four of five in-silico tools predict a damaging effect of the variant on protein function. The variant was absent in 191262 control chromosomes (gnomAD). The available data on variant occurrences in the general population are insufficient to allow any conclusion about variant significance. To our knowledge, no occurrence of c.89G>A in individuals affected with Hypoparathyroidism, Deafness, Renal Disease Syndrome and no experimental evidence demonstrating its impact on protein function have been reported. One ClinVar submitter has assessed this variant since 2014: the variant was classified as of uncertain significance. Based on the evidence outlined above, the variant was classified as uncertain significance.